The following is an entry in ClinVar:

ClinVar aggregate classification (germline): Uncertain significance. Review status: criteria provided, multiple submitters, no conflicts (2 of 4 stars). 2 submissions from 2 submitters: Uncertain significance (2). Last evaluated 2024-07-02.

Conditions:
Pancreatic adenocarcinoma. Identifiers: MedGen C0281361, MONDO:0006047, HP:0006725.

Allele frequency attached by ClinVar (database versions not stated): gnomAD exomes below 0.00001; ExAC 0.00001.
gnomAD v4.1: 2 of 1,611,222 alleles (0.00012%); highest among the groups gnomAD compares: Admixed American, 0.0033%; no homozygotes.

Submissions (2):

Labcorp Genetics (formerly Invitae), Labcorp
Classification: Uncertain significance for Pancreatic adenocarcinoma. Last evaluated: 2024-07-02. Review status: criteria provided, single submitter. Criteria: Invitae Variant Classification Sherloc (09022015). Collection method: clinical testing. Allele origin: germline.
Comment: This sequence change replaces glycine, which is neutral and non-polar, with serine, which is neutral and polar, at codon 493 of the PALLD protein (p.Gly493Ser). This variant is present in population databases (rs757307011, gnomAD 0.006%). This variant has not been reported in the literature in individuals affected with PALLD-related conditions. ClinVar contains an entry for this variant (Variation ID: 1797878). An algorithm developed to predict the effect of missense changes on protein structure and function (PolyPhen-2) suggests that this variant is likely to be disruptive. In summary, the available evidence is currently insufficient to determine the role of this variant in disease. Therefore, it has been classified as a Variant of Uncertain Significance.

Ambry Genetics
Classification: Uncertain significance. Last evaluated: 2024-03-25. Review status: criteria provided, single submitter. Criteria: Ambry Variant Classification Scheme 2023. Collection method: clinical testing. Allele origin: germline.
Comment: The p.G980S variant (also known as c.2938G>A), located in coding exon 16 of the PALLD gene, results from a G to A substitution at nucleotide position 2938. The glycine at codon 980 is replaced by serine, an amino acid with similar properties. This amino acid position is conserved. In addition, this alteration is predicted to be deleterious by in silico analysis. Since supporting evidence is limited at this time, the clinical significance of this alteration remains unclear.

NM_001166108.2(PALLD):c.2989G>A (p.Gly997Ser)

Genes: CBR4 (carbonyl reductase 4; minus strand), PALLD (palladin, cytoskeletal associated protein; plus strand). Cytogenetic location: 4q32.3.
Variant type: single nucleotide variant.
Coding change: c.2989G>A on transcript NM_001166108.2 (MANE Select); coding-DNA position 2989, G replaced by A.
Protein change: p.Gly997Ser; replaces glycine 997 with serine.
Molecular consequence: missense variant.
Genome position (GRCh38, 1-based): chr4:168,921,672, G>A. VCF-style: chr4-168921672-G-A. GRCh37 (hg19) VCF-style: chr4-169842823-G-A.
Other names: c.1792G>A, p.Gly598Ser (NM_001166109.2); c.1477G>A, p.Gly493Ser (NM_001166110.2); c.817G>A, p.Gly273Ser (NM_001367567.1, NM_001367569.1); c.868G>A, p.Gly290Ser (NM_001367568.1, NM_001367570.1); c.2938G>A, p.Gly980Ser (NM_016081.4); short protein forms G273S, G290S, G493S, G997S, G598S, G980S.
Identifiers: ClinVar variation 1797878 (VCV001797878.4), dbSNP rs757307011, ClinGen allele CA3136007.